The following is an entry in ClinVar:

NM_019066.5(MAGEL2):c.1425C>T (p.Ala475=)

Gene: MAGEL2 (MAGE family member L2; minus strand). Cytogenetic location: 15q11.2.
Variant type: single nucleotide variant.
Coding change: c.1425C>T on transcript NM_019066.5 (MANE Select); coding-DNA position 1425, C replaced by T.
Protein change: p.Ala475=; no amino-acid change (alanine 475 retained).
Molecular consequence: synonymous variant.
Genome position (GRCh38, 1-based): chr15:23,646,318, G>A on the plus strand (C>T on the coding strand, the complement: MAGEL2 is on the minus strand). VCF-style: chr15-23646318-G-A. GRCh37 (hg19) VCF-style: chr15-23891465-G-A.
Identifiers: ClinVar variation 1982334 (VCV001982334.27), dbSNP rs532436058, ClinGen allele CA267660337.
Genomic context (GRCh38, chr15:23,646,318, plus strand): 5'-CTGGCGGATCAGCGGCGGGGCCTGGCGGATCACAGGTGGAGCCTGGCGGATCACAGGTGG[G>A]GCCTGGCGGATCACAGGTGGGGCCTGGCGGATCACAGCGGGGGCCTGGCGGATCACGGGT-3'
Protein context (NP_061939.3, residues 465-485): IRQAPPVIRQ[Ala475=]PPVIRQAPPV

ClinVar aggregate classification (germline): Likely benign. Review status: criteria provided, multiple submitters, no conflicts (2 of 4 stars). 3 submissions from 3 submitters: Likely benign (3). Last evaluated 2025-01-01.

Allele frequency attached by ClinVar (database versions not stated): gnomAD 0.00004; 1000 Genomes Project 0.00040.

Submissions (3):

CeGaT Center for Human Genetics Tuebingen
Classification: Likely benign. Last evaluated: 2025-01-01. Review status: criteria provided, single submitter. Criteria: CeGaT Center For Human Genetics Tuebingen Variant Classification Criteria Version 2. Collection method: clinical testing. Allele origin: germline. Affected: yes. Observed: 2 variant alleles.
Comment: MAGEL2: BP4, BP7

Blueprint Genetics
Classification: Likely benign. Last evaluated: 2024-08-15. Review status: criteria provided, single submitter. Criteria: ACMG Guidelines, 2015. Collection method: clinical testing. Allele origin: germline.

Labcorp Genetics (formerly Invitae), Labcorp
Classification: Likely benign. Last evaluated: 2024-04-16. Review status: criteria provided, single submitter. Criteria: Invitae Variant Classification Sherloc (09022015). Collection method: clinical testing. Allele origin: germline.